The following is an entry in ClinVar:

ClinVar aggregate classification (germline): Uncertain significance (1 of 4 stars; one submission).

Allele frequency attached by ClinVar (database versions not stated): gnomAD exomes below 0.00001.
gnomAD v4.1: 1 of 1,614,134 alleles (0.000062%); highest among the groups gnomAD compares: Non-Finnish European, 0.000085%; no homozygotes.

Submission:

Labcorp Genetics (formerly Invitae), Labcorp
Classification: Uncertain significance. Last evaluated: 2022-03-26. Review status: criteria provided, single submitter. Criteria: Invitae Variant Classification Sherloc (09022015). Collection method: clinical testing. Allele origin: germline.
Comment: This variant is not present in population databases (gnomAD no frequency). In summary, the available evidence is currently insufficient to determine the role of this variant in disease. Therefore, it has been classified as a Variant of Uncertain Significance. Advanced modeling of protein sequence and biophysical properties (such as structural, functional, and spatial information, amino acid conservation, physicochemical variation, residue mobility, and thermodynamic stability) performed at Invitae indicates that this missense variant is not expected to disrupt CDHR1 protein function. This variant has not been reported in the literature in individuals affected with CDHR1-related conditions. This sequence change replaces histidine, which is basic and polar, with tyrosine, which is neutral and polar, at codon 26 of the CDHR1 protein (p.His26Tyr).

NM_033100.4(CDHR1):c.76C>T (p.His26Tyr)

Gene: CDHR1 (cadherin related family member 1; plus strand). Cytogenetic location: 10q23.1.
Variant type: single nucleotide variant.
Coding change: c.76C>T on transcript NM_033100.4 (MANE Select); coding-DNA position 76, C replaced by T.
Protein change: p.His26Tyr; replaces histidine 26 with tyrosine.
Molecular consequence: missense variant.
Genome position (GRCh38, 1-based): chr10:84,195,514, C>T. VCF-style: chr10-84195514-C-T. GRCh37 (hg19) VCF-style: chr10-85955270-C-T.
Other names: c.76C>T, p.His26Tyr (NM_001171971.3); short protein forms H26Y.
Identifiers: ClinVar variation 1942649 (VCV001942649.5), dbSNP rs1842013207, ClinGen allele CA377369226.